The following is an entry in ClinVar:

NM_003235.5(TG):c.1777A>C (p.Arg593=)

Gene: TG (thyroglobulin; plus strand). Cytogenetic location: 8q24.22.
Variant type: single nucleotide variant.
Coding change: c.1777A>C on transcript NM_003235.5 (MANE Select); coding-DNA position 1777, A replaced by C.
Protein change: p.Arg593=; no amino-acid change (arginine 593 retained).
Molecular consequence: synonymous variant.
Genome position (GRCh38, 1-based): chr8:132,887,149, A>C. VCF-style: chr8-132887149-A-C. GRCh37 (hg19) VCF-style: chr8-133899394-A-C.
Identifiers: ClinVar variation 2658826 (VCV002658826.24), dbSNP rs2489824198, ClinGen allele CA463216285.

ClinVar aggregate classification (germline): Likely benign (1 of 4 stars; one submission).

Submission:

CeGaT Center for Human Genetics Tuebingen
Classification: Likely benign. Last evaluated: 2023-10-01. Review status: criteria provided, single submitter. Criteria: CeGaT Center For Human Genetics Tuebingen Variant Classification Criteria Version 2. Collection method: clinical testing. Allele origin: germline. Affected: yes. Observed: 1 variant allele.
Comment: TG: BP4, BP7